The following is an entry in ClinVar:

NM_004006.3(DMD):c.2297T>C (p.Ile766Thr)

Gene: DMD (dystrophin; minus strand). Cytogenetic location: Xp21.1.
Variant type: single nucleotide variant.
Coding change: c.2297T>C on transcript NM_004006.3 (MANE Select); coding-DNA position 2297, T replaced by C.
Protein change: p.Ile766Thr; replaces isoleucine 766 with threonine.
Molecular consequence: missense variant.
Genome position (GRCh38, 1-based): chrX:32,501,838, A>G on the plus strand (T>C on the coding strand, the complement: DMD is on the minus strand). VCF-style: chrX-32501838-A-G. GRCh37 (hg19) VCF-style: chrX-32519955-A-G.
Other names: c.2273T>C, p.Ile758Thr (NM_000109.4); c.2285T>C, p.Ile762Thr (NM_004009.3); c.1928T>C, p.Ile643Thr (NM_004010.3); short protein forms I766T, I762T, I643T, I758T.
Identifiers: ClinVar variation 455878 (VCV000455878.14), dbSNP rs1443021146, ClinGen allele CA412673722.

ClinVar aggregate classification (germline): Conflicting classifications of pathogenicity. Review status: criteria provided, conflicting classifications (1 of 4 stars). 4 submissions from 4 submitters: Uncertain significance (2); Likely benign (1). 1 of the submissions does not count toward it. Last evaluated 2025-04-30.

Conditions:
Dystrophin deficiency.
Duchenne muscular dystrophy (DMD). Also called: Duchenne Muscular Dystrophy (DMD); MUSCULAR DYSTROPHY, PSEUDOHYPERTROPHIC PROGRESSIVE, DUCHENNE TYPE. Identifiers: Orphanet 98896, MedGen C0013264, MONDO:0010679, OMIM 310200.
Becker muscular dystrophy (BMD). Also called: Becker Muscular Dystrophy (BMD); MUSCULAR DYSTROPHY, PSEUDOHYPERTROPHIC PROGRESSIVE, BECKER TYPE. Identifiers: Orphanet 98895, MedGen C0917713, MONDO:0010311, OMIM 300376.
Cardiomyopathy (CMYO). Also called: Cardiomyopathies. Identifiers: Orphanet 167848, MedGen C0878544, MONDO:0004994, HP:0001638. Inheritance: Various modes of inheritance.
Cardiovascular phenotype. Identifiers: MedGen CN230736.

Allele frequency attached by ClinVar (database versions not stated): gnomAD exomes below 0.00001 and 0.00001.
gnomAD v4.1: 3 of 1,196,841 alleles (0.00025%); highest among the groups gnomAD compares: Admixed American, 0.0022%; no homozygotes.

Submissions (4):

Dasa
Classification: Uncertain significance. Last evaluated: 2025-04-30. Review status: criteria provided, single submitter. Criteria: DASA Assertion Criteria. Collection method: clinical testing. Allele origin: germline.
Comment: NM_004006.3(DMD):c.2297T>C (p.Ile766Thr) is a missense variant that results in the substitution of isoleucine with threonine. This variant is rare in population databases. The currently available literature and clinical evidence are not sufficient to establish a definitive association between this variant and the reported condition. Therefore, this variant is classified as a variant of uncertain significance.

Labcorp Genetics (formerly Invitae), Labcorp
Classification: Likely benign for Duchenne muscular dystrophy. Last evaluated: 2025-04-17. Review status: criteria provided, single submitter. Criteria: Invitae Variant Classification Sherloc (09022015). Collection method: clinical testing. Allele origin: germline.

Ambry Genetics
Classification: Uncertain significance for Cardiovascular phenotype. Last evaluated: 2020-02-18. Review status: criteria provided, single submitter. Criteria: Ambry Variant Classification Scheme 2023. Collection method: clinical testing. Allele origin: germline.
Comment: The p.I766T variant (also known as c.2297T>C), located in coding exon 19 of the DMD gene, results from a T to C substitution at nucleotide position 2297. The isoleucine at codon 766 is replaced by threonine, an amino acid with similar properties. This amino acid position is highly conserved in available vertebrate species. In addition, the in silico prediction for this alteration is inconclusive. Since supporting evidence is limited at this time, the clinical significance of this alteration remains unclear.

Natera, Inc.
Classification: Uncertain significance for Becker muscular dystrophy; Cardiomyopathy; Duchenne muscular dystrophy; Dystrophin deficiency. Last evaluated: 2018-06-22. Review status: no assertion criteria provided. Collection method: clinical testing. Allele origin: germline. Not counted in ClinVar's aggregate classification.